The following is an entry in ClinVar:

ClinVar aggregate classification (germline): Uncertain significance. Review status: criteria provided, single submitter (1 of 4 stars). 3 submissions from 3 submitters: Uncertain significance (1). 2 of the submissions do not count toward it. Last evaluated 2025-06-02.

Conditions:
Intellectual developmental disorder, X-linked, syndromic, Hedera type. Also called: Syndromic X-linked intellectual disability Hedera type. Identifiers: Orphanet 93952, MedGen C1845543, MONDO:0010319, OMIM 300423.

Allele frequency attached by ClinVar (database versions not stated): gnomAD exomes 0.00001; ExAC 0.00002; TOPMed 0.00001.
gnomAD v4.1: 11 of 1,210,970 alleles (0.00091%); highest among the groups gnomAD compares: Middle Eastern, 0.12%; no homozygotes.

Submissions (3):

Labcorp Genetics (formerly Invitae), Labcorp
Classification: Uncertain significance for Intellectual developmental disorder, X-linked, syndromic, Hedera type. Last evaluated: 2025-06-02. Review status: criteria provided, single submitter. Criteria: Invitae Variant Classification Sherloc (09022015). Collection method: clinical testing. Allele origin: germline.
Comment: This sequence change replaces arginine, which is basic and polar, with cysteine, which is neutral and slightly polar, at codon 199 of the ATP6AP2 protein (p.Arg199Cys). This variant is present in population databases (rs766018794, gnomAD 0.005%). This variant has not been reported in the literature in individuals affected with ATP6AP2-related conditions. ClinVar contains an entry for this variant (Variation ID: 1206077). Invitae Evidence Modeling of protein sequence and biophysical properties (such as structural, functional, and spatial information, amino acid conservation, physicochemical variation, residue mobility, and thermodynamic stability) indicates that this missense variant is expected to disrupt ATP6AP2 protein function with a positive predictive value of 80%. In summary, the available evidence is currently insufficient to determine the role of this variant in disease. Therefore, it has been classified as a Variant of Uncertain Significance.

Clinical Genetics DNA and cytogenetics Diagnostics Lab, Erasmus MC, Erasmus Medical Center
Classification: Uncertain significance. Review status: no assertion criteria provided. Collection method: clinical testing. Allele origin: germline. Affected: yes. Study: VKGL Data-share Consensus. Not counted in ClinVar's aggregate classification.

Laboratory of Diagnostic Genome Analysis, Leiden University Medical Center (LUMC)
Classification: Uncertain significance. Review status: no assertion criteria provided. Collection method: clinical testing. Allele origin: germline. Affected: yes. Study: VKGL Data-share Consensus. Not counted in ClinVar's aggregate classification.

NM_005765.3(ATP6AP2):c.595C>T (p.Arg199Cys)

Gene: ATP6AP2 (ATPase H+ transporting accessory protein 2; plus strand). Cytogenetic location: Xp11.4.
Variant type: single nucleotide variant.
Coding change: c.595C>T on transcript NM_005765.3 (MANE Select); coding-DNA position 595, C replaced by T.
Protein change: p.Arg199Cys; replaces arginine 199 with cysteine.
Molecular consequence: missense variant.
Genome position (GRCh38, 1-based): chrX:40,599,598, C>T. VCF-style: chrX-40599598-C-T. GRCh37 (hg19) VCF-style: chrX-40458850-C-T.
Other names: short protein forms R199C.
Identifiers: ClinVar variation 1206077 (VCV001206077.4), dbSNP rs766018794, ClinGen allele CA10387249.